The following is an entry in ClinVar:

NM_007194.4(CHEK2):c.736G>A (p.Val246Ile)

Gene: CHEK2 (checkpoint kinase 2; minus strand). Cytogenetic location: 22q12.1.
Variant type: single nucleotide variant.
Coding change: c.736G>A on transcript NM_007194.4 (MANE Select); coding-DNA position 736, G replaced by A.
Protein change: p.Val246Ile; replaces valine 246 with isoleucine.
Molecular consequence: missense variant.
Genome position (GRCh38, 1-based): chr22:28,711,965, C>T on the plus strand (G>A on the coding strand, the complement: CHEK2 is on the minus strand). VCF-style: chr22-28711965-C-T. GRCh37 (hg19) VCF-style: chr22-29107953-C-T.
Other names: c.865G>A, p.Val289Ile (NM_001005735.3); c.73G>A, p.Val25Ile (NM_001257387.3); c.535G>A, p.Val179Ile (NM_001349956.3); c.736G>A, p.Val246Ile (NM_145862.3); short protein forms V289I, V179I, V246I, V25I.
Identifiers: ClinVar variation 639682 (VCV000639682.15), dbSNP rs748504161, ClinGen allele CA323022193.
Genomic context (GRCh38, chr22:28,711,965, plus strand): 5'-TTACTGCCTCTCTTGCTGAACCAATAGCAAACTTCCTTTTGCTGATGATCTTTATGGCTA[C>T]TTTCTTACATGTTTTCCTCTCGAAAGCCAGCTTTACCTCTCCACAGGCACCACTAGAGGG-3'
Protein context (NP_009125.1, residues 236-256): LAFERKTCKK[Val246Ile]AIKIISKRKF

ClinVar aggregate classification (germline): Uncertain significance. Review status: criteria provided, multiple submitters, no conflicts (2 of 4 stars). 3 submissions from 3 submitters: Uncertain significance (3). Last evaluated 2025-12-10.

Conditions:
Hereditary cancer-predisposing syndrome. Also called: Neoplastic Syndromes, Hereditary; Tumor predisposition; Hereditary Cancer Syndrome; Hereditary neoplastic syndrome. Identifiers: Orphanet 140162, MedGen C0027672, MeSH D009386, MONDO:0015356.
Familial cancer of breast. Also called: BREAST CANCER, FAMILIAL; hereditary breast carcinoma; Hereditary breast cancer. Identifiers: Orphanet 227535, MedGen C0346153, MONDO:0016419, OMIM 114480. Disease mechanism: loss of function.

Submissions (3):

Ambry Genetics
Classification: Uncertain significance for Hereditary cancer-predisposing syndrome. Last evaluated: 2025-12-10. Review status: criteria provided, single submitter. Criteria: Ambry Variant Classification Scheme 2023. Collection method: clinical testing. Allele origin: germline.
Comment: The p.V246I variant (also known as c.736G>A), located in coding exon 5 of the CHEK2 gene, results from a G to A substitution at nucleotide position 736. The valine at codon 246 is replaced by isoleucine, an amino acid with highly similar properties. This amino acid position is conserved. In addition, the in silico prediction for this alteration is inconclusive. Since supporting evidence is limited at this time, the clinical significance of this alteration remains unclear.

Labcorp Genetics (formerly Invitae), Labcorp
Classification: Uncertain significance for Familial cancer of breast. Last evaluated: 2023-09-11. Review status: criteria provided, single submitter. Criteria: Invitae Variant Classification Sherloc (09022015). Collection method: clinical testing. Allele origin: germline.
Comment: This sequence change replaces valine, which is neutral and non-polar, with isoleucine, which is neutral and non-polar, at codon 246 of the CHEK2 protein (p.Val246Ile). This variant is not present in population databases (gnomAD no frequency). This variant has not been reported in the literature in individuals affected with CHEK2-related conditions. ClinVar contains an entry for this variant (Variation ID: 639682). An algorithm developed to predict the effect of missense changes on protein structure and function (PolyPhen-2) suggests that this variant is likely to be disruptive. In summary, the available evidence is currently insufficient to determine the role of this variant in disease. Therefore, it has been classified as a Variant of Uncertain Significance.

Revvity Omics, Revvity
Classification: Uncertain significance. Last evaluated: 2021-03-12. Review status: criteria provided, single submitter. Criteria: ACMG Guidelines, 2015. Collection method: clinical testing. Allele origin: germline.